The following is an entry in ClinVar:

NM_004465.2(FGF10):c.562A>T (p.Arg188Ter)

Gene: FGF10 (fibroblast growth factor 10; minus strand). Cytogenetic location: 5p12.
Variant type: single nucleotide variant.
Coding change: c.562A>T on transcript NM_004465.2 (MANE Select); coding-DNA position 562, A replaced by T.
Protein change: p.Arg188Ter; replaces arginine 188 with a stop codon.
Molecular consequence: nonsense.
Genome position (GRCh38, 1-based): chr5:44,305,060, T>A on the plus strand (A>T on the coding strand, the complement: FGF10 is on the minus strand). VCF-style: chr5-44305060-T-A. GRCh37 (hg19) VCF-style: chr5-44305162-T-A.
Other names: short protein forms R188*.
Identifiers: ClinVar variation 4886577 (VCV004886577.2).

ClinVar aggregate classification (germline): Likely pathogenic (1 of 4 stars; one submission).

Submission:

Dasa
Classification: Likely pathogenic. Last evaluated: 2025-02-03. Review status: criteria provided, single submitter. Criteria: DASA Assertion Criteria. Collection method: clinical testing. Allele origin: germline.
Comment: NM_004465.2(FGF10):c.562A>T (p.Arg188*) is a nonsense variant in FGF10 predicted to introduce a premature termination codon and is predicted to result in an absent or altered protein product. Loss of function is an established disease mechanism for FGF10 (PMID: 15654336; PMID: 16630169; PMID: 19102732). Also, this variant is absent from population databases. Based on the currently available evidence, this variant is classified as likely pathogenic.

Literature cited by the submitters: PubMed 15654336; PubMed 16630169; PubMed 19102732.